The following is an entry in ClinVar:

NM_001303052.2(MYT1L):c.771T>G (p.Val257=)

Gene: MYT1L (myelin transcription factor 1 like; minus strand). Cytogenetic location: 2p25.3.
Variant type: single nucleotide variant.
Coding change: c.771T>G on transcript NM_001303052.2 (MANE Select); coding-DNA position 771, T replaced by G.
Protein change: p.Val257=; no amino-acid change (valine 257 retained).
Molecular consequence: synonymous variant.
Genome position (GRCh38, 1-based): chr2:1,922,998, A>C on the plus strand (T>G on the coding strand, the complement: MYT1L is on the minus strand). VCF-style: chr2-1922998-A-C. GRCh37 (hg19) VCF-style: chr2-1926770-A-C.
Other names: c.771T>G, p.Val257= (NM_001329844.2, NM_001329845.1, NM_001329846.3 and 6 more transcripts).
Identifiers: ClinVar variation 4823304 (VCV004823304.4).

ClinVar aggregate classification (germline): Likely benign (1 of 4 stars; one submission).

Submission:

CeGaT Center for Human Genetics Tuebingen
Classification: Likely benign. Last evaluated: 2026-02-01. Review status: criteria provided, single submitter. Criteria: CeGaT Center For Human Genetics Tuebingen Variant Classification Criteria Version 2. Collection method: clinical testing. Allele origin: germline. Affected: yes. Observed: 1 variant allele.
Comment: MYT1L: PM2:Supporting, BP4, BP7